The following is an entry in ClinVar:

NM_007074.4(CORO1A):c.1278_1279insCC (p.Ser427fs)

Gene: CORO1A (coronin 1A; plus strand). Cytogenetic location: 16p11.2.
Variant type: Insertion.
Coding change: c.1278_1279insCC on transcript NM_007074.4 (MANE Select); coding-DNA positions 1278 to 1279, CC inserted.
Protein change: p.Ser427fs; shifts the reading frame from serine 427.
Molecular consequence: frameshift variant.
Genome position: GRCh38 VCF-style: chr16-30188572-G-GCC. GRCh37 (hg19) VCF-style: chr16-30199893-G-GCC.
Other names: c.1278_1279insCC, p.Ser427fs (NM_001193333.3); short protein forms S427fs.
Identifiers: ClinVar variation 1696291 (VCV001696291.1), dbSNP rs2151063606, ClinGen allele CA2580091473.

ClinVar aggregate classification (germline): Likely pathogenic (1 of 4 stars; one submission).

Conditions:
Severe combined immunodeficiency disease. Also called: Severe Combined Immune Deficiency; Severe combined immunodeficiency. Identifiers: Orphanet 183660, MedGen C0085110, MeSH D016511, MONDO:0015974, HP:0004430. Inheritance: X-Linked or Autosomal recessive.

Submission:

Women's Health and Genetics/Laboratory Corporation of America, LabCorp
Classification: Likely pathogenic for Severe combined immunodeficiency disease. Last evaluated: 2022-05-27. Review status: criteria provided, single submitter. Criteria: LabCorp Variant Classification Summary - May 2015. Collection method: clinical testing. Allele origin: germline.
Comment: Variant summary: CORO1A c.1278_1279insCC (p.Ser427ProfsX74+) causes a frameshift which results in an extension of the protein. This change affects the Trimerisation motif domain in the c-terminus. The variant was absent in 218982 control chromosomes. To our knowledge, no occurrence of c.1278_1279insCC in individuals affected with Severe Combined Immunodeficiency and no experimental evidence demonstrating its impact on protein function have been reported. No clinical diagnostic laboratories have submitted clinical-significance assessments for this variant to ClinVar after 2014. Based on the evidence outlined above, the variant was classified as likely pathogenic.